The following is an entry in ClinVar:

NM_002439.5(MSH3):c.3049C>G (p.Leu1017Val)

Gene: MSH3 (mutS homolog 3; plus strand). Cytogenetic location: 5q14.1.
Variant type: single nucleotide variant.
Coding change: c.3049C>G on transcript NM_002439.5 (MANE Select); coding-DNA position 3049, C replaced by G.
Protein change: p.Leu1017Val; replaces leucine 1017 with valine.
Molecular consequence: missense variant.
Genome position (GRCh38, 1-based): chr5:80,864,861, C>G. VCF-style: chr5-80864861-C-G. GRCh37 (hg19) VCF-style: chr5-80160680-C-G.
Other names: short protein forms L1017V.
Identifiers: ClinVar variation 1400450 (VCV001400450.8), dbSNP rs2112118424, ClinGen allele CA360346220.

ClinVar aggregate classification (germline): Uncertain significance (1 of 4 stars; one submission).

Submission:

Labcorp Genetics (formerly Invitae), Labcorp
Classification: Uncertain significance. Last evaluated: 2020-12-31. Review status: criteria provided, single submitter. Criteria: Invitae Variant Classification Sherloc (09022015). Collection method: clinical testing. Allele origin: germline.
Comment: This sequence change replaces leucine with valine at codon 1017 of the MSH3 protein (p.Leu1017Val). The leucine residue is moderately conserved and there is a small physicochemical difference between leucine and valine. In summary, the available evidence is currently insufficient to determine the role of this variant in disease. Therefore, it has been classified as a Variant of Uncertain Significance. Algorithms developed to predict the effect of missense changes on protein structure and function are either unavailable or do not agree on the potential impact of this missense change (SIFT: "Tolerated"; PolyPhen-2: "Probably Damaging"; Align-GVGD: "Class C0"). This variant has not been reported in the literature in individuals with MSH3-related conditions. This variant is not present in population databases (ExAC no frequency).